The following is an entry in ClinVar:

ClinVar aggregate classification (germline): Likely benign (1 of 4 stars; one submission).

Submission:

GeneDx
Classification: Likely benign. Last evaluated: 2017-05-15. Review status: criteria provided, single submitter. Criteria: GeneDx Variant Classification (06012015). Collection method: clinical testing. Allele origin: germline. Affected: yes.
Comment: This variant is considered likely benign or benign based on one or more of the following criteria: it is a conservative change, it occurs at a poorly conserved position in the protein, it is predicted to be benign by multiple in silico algorithms, and/or has population frequency not consistent with disease.

NM_015386.3(COG4):c.409T>C (p.Leu137=)

Gene: COG4 (component of oligomeric golgi complex 4; minus strand). Cytogenetic location: 16q22.1.
Variant type: single nucleotide variant.
Coding change: c.409T>C on transcript NM_015386.3 (MANE Select); coding-DNA position 409, T replaced by C.
Protein change: p.Leu137=; no amino-acid change (leucine 137 retained).
Molecular consequence: synonymous variant. On other transcripts: 5 prime UTR variant (1), non-coding transcript variant (1).
Genome position (GRCh38, 1-based): chr16:70,514,470, A>G on the plus strand (T>C on the coding strand, the complement: COG4 is on the minus strand). VCF-style: chr16-70514470-A-G. GRCh37 (hg19) VCF-style: chr16-70548373-A-G.
Other names: c.397T>C, p.Leu133= (NM_001195139.2); c.-18T>C (NM_001365426.1).
Identifiers: ClinVar variation 508202 (VCV000508202.1), dbSNP rs1555497597, ClinGen allele CA496225270.